The following is an entry in ClinVar:

NM_206933.4(USH2A):c.1218T>A (p.Ser406Arg)

Gene: USH2A (usherin; minus strand). Cytogenetic location: 1q41.
Variant type: single nucleotide variant.
Coding change: c.1218T>A on transcript NM_206933.4 (MANE Select); coding-DNA position 1218, T replaced by A.
Protein change: p.Ser406Arg; replaces serine 406 with arginine.
Molecular consequence: missense variant.
Genome position (GRCh38, 1-based): chr1:216,324,278, A>T on the plus strand (T>A on the coding strand, the complement: USH2A is on the minus strand). VCF-style: chr1-216324278-A-T. GRCh37 (hg19) VCF-style: chr1-216497620-A-T.
Other names: c.1218T>A, p.Ser406Arg (NM_007123.6); short protein forms S406R.
Identifiers: ClinVar variation 1465576 (VCV001465576.4), dbSNP rs2037682584, ClinGen allele CA344911803.
Genomic context (GRCh38, chr1:216,324,278, plus strand): 5'-GTTTTTCATTCCAAAAGCACCACAATTCCTGGCAAAATATTGCCAGTCCTCCCAATCTAA[A>T]CTATTTTCCTTCTTCCTTTGAATCCTTATTTCCGTTGGTTGTGGACTAAAGAACTGAATG-3'
Protein context (NP_996816.3, residues 396-416): EIRIQRKKEN[Ser406Arg]LDWEDWQYFA

ClinVar aggregate classification (germline): Uncertain significance. Review status: criteria provided, multiple submitters, no conflicts (2 of 4 stars). 2 submissions from 2 submitters: Uncertain significance (2). Last evaluated 2022-05-17.

Allele frequency attached by ClinVar (database versions not stated): gnomAD exomes below 0.00001; gnomAD 0.00001.
gnomAD v4.1: 3 of 1,613,214 alleles (0.00019%); highest among the groups gnomAD compares: African/African-American, 0.0013%; no homozygotes.

Submissions (2):

Blueprint Genetics
Classification: Uncertain significance. Last evaluated: 2022-05-17. Review status: criteria provided, single submitter. Criteria: ACMG Guidelines, 2015. Collection method: clinical testing. Allele origin: germline.

Labcorp Genetics (formerly Invitae), Labcorp
Classification: Uncertain significance. Last evaluated: 2022-05-06. Review status: criteria provided, single submitter. Criteria: Invitae Variant Classification Sherloc (09022015). Collection method: clinical testing. Allele origin: germline.
Comment: This sequence change replaces serine, which is neutral and polar, with arginine, which is basic and polar, at codon 406 of the USH2A protein (p.Ser406Arg). This variant is not present in population databases (gnomAD no frequency). This variant has not been reported in the literature in individuals affected with USH2A-related conditions. Algorithms developed to predict the effect of missense changes on protein structure and function are either unavailable or do not agree on the potential impact of this missense change (SIFT: "Deleterious"; PolyPhen-2: "Benign"; Align-GVGD: "Class C15"). In summary, the available evidence is currently insufficient to determine the role of this variant in disease. Therefore, it has been classified as a Variant of Uncertain Significance.